The following is an entry in ClinVar:

ClinVar aggregate classification (germline): Uncertain significance (1 of 4 stars; one submission).

Conditions:
Inborn genetic diseases. Identifiers: MedGen C0950123, MeSH D030342.

Submission:

Ambry Genetics
Classification: Uncertain significance for Inborn genetic diseases. Last evaluated: 2026-08-16. Review status: criteria provided, single submitter. Criteria: Ambry Variant Classification Scheme 2023. Collection method: clinical testing. Allele origin: germline.
Comment: The p.G673V variant (also known as c.2018G>T), located in coding exon 22 of the RTEL1 gene, results from a G to T substitution at nucleotide position 2018. The glycine at codon 673 is replaced by valine, an amino acid with dissimilar properties. This amino acid position is conserved. In addition, this alteration is predicted to be tolerated by in silico analysis. Based on the available evidence, the clinical significance of this variant remains unclear.

NM_001283009.2(RTEL1):c.2018G>T (p.Gly673Val)

Genes: RTEL1 (regulator of telomere elongation helicase 1; plus strand), RTEL1-TNFRSF6B (RTEL1-TNFRSF6B readthrough (NMD candidate); plus strand). Cytogenetic location: 20q13.33.
Variant type: single nucleotide variant.
Coding change: c.2018G>T on transcript NM_001283009.2 (MANE Select); coding-DNA position 2018, G replaced by T.
Protein change: p.Gly673Val; replaces glycine 673 with valine.
Molecular consequence: missense variant. On other transcripts: non-coding transcript variant (1).
Genome position (GRCh38, 1-based): chr20:63,689,641, G>T. VCF-style: chr20-63689641-G-T. GRCh37 (hg19) VCF-style: chr20-62320994-G-T.
Other names: c.1349G>T, p.Gly450Val (NM_001283010.1); c.2018G>T, p.Gly673Val (NM_016434.4); c.2090G>T, p.Gly697Val (NM_032957.5); short protein forms G697V, G450V, G673V.
Identifiers: ClinVar variation 5028511 (VCV005028511.1).